The following is an entry in ClinVar:

NM_005562.3(LAMC2):c.3109G>T (p.Asp1037Tyr)

Gene: LAMC2 (laminin subunit gamma 2; plus strand). Cytogenetic location: 1q25.3.
Variant type: single nucleotide variant.
Coding change: c.3109G>T on transcript NM_005562.3 (MANE Select); coding-DNA position 3109, G replaced by T.
Protein change: p.Asp1037Tyr; replaces aspartic acid 1037 with tyrosine.
Molecular consequence: missense variant.
Genome position (GRCh38, 1-based): chr1:183,240,079, G>T. VCF-style: chr1-183240079-G-T. GRCh37 (hg19) VCF-style: chr1-183209214-G-T.
Other names: c.3109G>T, p.Asp1037Tyr (NM_018891.3); c.3109G>T (NM_005562.2); short protein forms D1037Y.
Identifiers: ClinVar variation 2085543 (VCV002085543.5), dbSNP rs141679163, ClinGen allele CA1283159.

ClinVar aggregate classification (germline): Conflicting classifications of pathogenicity. Review status: criteria provided, conflicting classifications (1 of 4 stars). 2 submissions from 2 submitters: Uncertain significance (1); Likely benign (1). Last evaluated 2026-03-23.

Conditions:
LAMC2-related disorder. Also called: LAMC2-related condition.

Allele frequency attached by ClinVar (database versions not stated): ExAC 0.00017; gnomAD 0.00029; ESP Exome Variant Server 0.00038; TOPMed 0.00038; 1000 Genomes Project 30x 0.00047; gnomAD exomes 0.00055; 1000 Genomes Project 0.00060.
gnomAD v4.1: 845 of 1,614,170 alleles (0.052%); highest among the groups gnomAD compares: Non-Finnish European, 0.066%; 1 homozygote.

Submissions (2):

PreventionGenetics, part of Exact Sciences
Classification: Uncertain significance for LAMC2-related condition. Last evaluated: 2026-03-23. Review status: criteria provided, single submitter. Criteria: ACMG Guidelines, 2015. Collection method: clinical testing. Allele origin: germline.
Comment: The LAMC2 c.3109G>T variant is predicted to result in the amino acid substitution p.Asp1037Tyr. This variant was reported in the compound heterozygous state with another potentially causative variant in an individual with hydrocephalus (Supplemental Data 3, Jin et al. 2020. PubMed ID: 33077954). This variant is reported in 0.049% of alleles in individuals of European (Non-Finnish) descent in gnomAD, including one homozygote. At this time, the clinical significance of this variant is uncertain due to the absence of conclusive functional and genetic evidence.

Labcorp Genetics (formerly Invitae), Labcorp
Classification: Likely benign. Last evaluated: 2026-02-01. Review status: criteria provided, single submitter. Criteria: Invitae Variant Classification Sherloc (09022015). Collection method: clinical testing. Allele origin: germline.